The following is an entry in ClinVar:

NM_001367479.1(DNAH14):c.7825C>T (p.Arg2609Ter)

Gene: DNAH14 (dynein axonemal heavy chain 14; plus strand). Cytogenetic location: 1q42.12.
Variant type: single nucleotide variant.
Coding change: c.7825C>T on transcript NM_001367479.1 (MANE Select); coding-DNA position 7825, C replaced by T.
Protein change: p.Arg2609Ter; replaces arginine 2609 with a stop codon.
Molecular consequence: nonsense.
Genome position (GRCh38, 1-based): chr1:225,272,059, C>T. VCF-style: chr1-225272059-C-T. GRCh37 (hg19) VCF-style: chr1-225459761-C-T.
Other names: short protein forms R2609*.
Identifiers: ClinVar variation 4279843 (VCV004279843.1).

ClinVar aggregate classification (germline): Uncertain significance (1 of 4 stars; one submission).

Conditions:
DNAH14-related neurodevelopmental disorder.

Submission:

Clinical Genomics Laboratory, Washington University in St. Louis
Classification: Uncertain significance for DNAH14-related neurodevelopmental disorder. Last evaluated: 2025-01-22. Review status: criteria provided, single submitter. Criteria: ACMG Guidelines, 2015. Collection method: clinical testing. Allele origin: germline.
Comment: The DNAH14 c.7825C>T (p.Arg2609Ter) variant, to our knowledge, has not been reported in the medical literature and is only observed on 5/183,752 alleles in the general population (gnomAD v.2.1.1), indicating it is not a common variant. This variant causes a premature termination codon, which is predicted to lead to nonsense mediated decay. Due to limited information, the clinical significance of this variant is uncertain.